The following is an entry in ClinVar:

ClinVar aggregate classification (germline): Uncertain significance (1 of 4 stars; one submission).

Allele frequency attached by ClinVar (database versions not stated): ExAC 0.00002; gnomAD exomes 0.00002 and 0.00003; TOPMed 0.00002.
gnomAD v4.1: 50 of 1,609,238 alleles (0.0031%); highest among the groups gnomAD compares: Middle Eastern, 0.033%; no homozygotes.

Submission:

Labcorp Genetics (formerly Invitae), Labcorp
Classification: Uncertain significance. Last evaluated: 2022-03-19. Review status: criteria provided, single submitter. Criteria: Invitae Variant Classification Sherloc (09022015). Collection method: clinical testing. Allele origin: germline.
Comment: This sequence change replaces histidine, which is basic and polar, with tyrosine, which is neutral and polar, at codon 85 of the HPS5 protein (p.His85Tyr). This variant is present in population databases (rs758755575, gnomAD 0.004%). This variant has not been reported in the literature in individuals affected with HPS5-related conditions. Algorithms developed to predict the effect of missense changes on protein structure and function are either unavailable or do not agree on the potential impact of this missense change (SIFT: "Deleterious"; PolyPhen-2: "Probably Damaging"; Align-GVGD: "Class C0"). In summary, the available evidence is currently insufficient to determine the role of this variant in disease. Therefore, it has been classified as a Variant of Uncertain Significance.

NM_181507.2(HPS5):c.253C>T (p.His85Tyr)

Gene: HPS5 (HPS5 biogenesis of lysosomal organelles complex 2 subunit 2; minus strand). Cytogenetic location: 11p15.1.
Variant type: single nucleotide variant.
Coding change: c.253C>T on transcript NM_181507.2 (MANE Select); coding-DNA position 253, C replaced by T.
Protein change: p.His85Tyr; replaces histidine 85 with tyrosine.
Molecular consequence: missense variant. On other transcripts: 5 prime UTR variant (1).
Genome position (GRCh38, 1-based): chr11:18,311,418, G>A on the plus strand (C>T on the coding strand, the complement: HPS5 is on the minus strand). VCF-style: chr11-18311418-G-A. GRCh37 (hg19) VCF-style: chr11-18332965-G-A.
Other names: c.-90C>T (NM_007216.4, NM_181508.2); short protein forms H85Y.
Identifiers: ClinVar variation 1349637 (VCV001349637.3), dbSNP rs758755575, ClinGen allele CA5910494.